The following is an entry in ClinVar:

ClinVar aggregate classification (germline): Uncertain significance (1 of 4 stars; one submission).

gnomAD v4.1: 1 of 1,612,680 alleles (0.000062%); highest among the groups gnomAD compares: Non-Finnish European, 0.000085%; no homozygotes.

Submission:

Labcorp Genetics (formerly Invitae), Labcorp
Classification: Uncertain significance. Last evaluated: 2025-06-12. Review status: criteria provided, single submitter. Criteria: Invitae Variant Classification Sherloc (09022015). Collection method: clinical testing. Allele origin: germline.
Comment: This sequence change replaces phenylalanine, which is neutral and non-polar, with isoleucine, which is neutral and non-polar, at codon 312 of the PDSS1 protein (p.Phe312Ile). This variant is not present in population databases (gnomAD no frequency). This variant has not been reported in the literature in individuals affected with PDSS1-related conditions. ClinVar contains an entry for this variant (Variation ID: 2115305). Invitae Evidence Modeling of protein sequence and biophysical properties (such as structural, functional, and spatial information, amino acid conservation, physicochemical variation, residue mobility, and thermodynamic stability) indicates that this missense variant is not expected to disrupt PDSS1 protein function with a negative predictive value of 80%. In summary, the available evidence is currently insufficient to determine the role of this variant in disease. Therefore, it has been classified as a Variant of Uncertain Significance.

NM_014317.5(PDSS1):c.934T>A (p.Phe312Ile)

Gene: PDSS1 (decaprenyl diphosphate synthase subunit 1; plus strand). Cytogenetic location: 10p12.1.
Variant type: single nucleotide variant.
Coding change: c.934T>A on transcript NM_014317.5 (MANE Select); coding-DNA position 934, T replaced by A.
Protein change: p.Phe312Ile; replaces phenylalanine 312 with isoleucine.
Molecular consequence: missense variant. On other transcripts: intron variant (1).
Genome position (GRCh38, 1-based): chr10:26,735,487, T>A. VCF-style: chr10-26735487-T-A. GRCh37 (hg19) VCF-style: chr10-27024416-T-A.
Other names: c.424T>A, p.Phe142Ile (NM_001321979.2); c.836-7010T>A (NM_001321978.2); short protein forms F312I, F142I.
Identifiers: ClinVar variation 2115305 (VCV002115305.4), dbSNP rs1280077774, ClinGen allele CA376350728.